The following is an entry in ClinVar:

ClinVar aggregate classification (germline): Likely benign (0 of 4 stars; one submission).

Conditions:
GCNT2-related disorder. Also called: GCNT2-related condition.

Allele frequency attached by ClinVar (database versions not stated): gnomAD 0.00002; TOPMed 0.00002; ExAC 0.00003.
gnomAD v4.1: 14 of 1,614,052 alleles (0.00087%); highest among the groups gnomAD compares: Admixed American, 0.02%; no homozygotes.

Submission:

PreventionGenetics, part of Exact Sciences
Classification: Likely benign for GCNT2-related condition. Last evaluated: 2019-05-22. Review status: no assertion criteria provided. Collection method: clinical testing. Allele origin: germline.
Comment: This variant is classified as likely benign based on ACMG/AMP sequence variant interpretation guidelines (Richards et al. 2015 PMID: 25741868, with internal and published modifications).

NM_145649.5(GCNT2):c.861C>G (p.Leu287=)

Gene: GCNT2 (glucosaminyl (N-acetyl) transferase 2 (I blood group); plus strand). Cytogenetic location: 6p24.3.
Variant type: single nucleotide variant.
Coding change: c.861C>G on transcript NM_145649.5 (MANE Select); coding-DNA position 861, C replaced by G.
Protein change: p.Leu287=; no amino-acid change (leucine 287 retained).
Molecular consequence: synonymous variant.
Genome position (GRCh38, 1-based): chr6:10,529,772, C>G. VCF-style: chr6-10529772-C-G. GRCh37 (hg19) VCF-style: chr6-10530005-C-G.
Other names: c.861C>G, p.Leu287= (NM_001374747.1).
Identifiers: ClinVar variation 3038653 (VCV003038653.2), dbSNP rs772360747, ClinGen allele CA3631856.
Genomic context (GRCh38, chr6:10,529,772, plus strand): 5'-GGCTCTCACAAGGGACTTTGCTAACTTCGTCCTCCAAGACCAGCTCGCACTTGACTTACT[C>G]TCCTGGTCCAAGGACACCTACAGCCCCGACGAACATTTCTGGGTGACACTCAACAGGATT-3'
Protein context (NP_663624.1, residues 277-297): VLQDQLALDL[Leu287=]SWSKDTYSPD